The following is an entry in ClinVar:

ClinVar aggregate classification (germline): Pathogenic. Review status: reviewed by expert panel (3 of 4 stars). 8 submissions from 8 submitters: Pathogenic (1). 7 of the submissions do not count toward it. Last evaluated 2017-12-15.

Conditions:
Breast-ovarian cancer, familial, susceptibility to, 1 (BROVCA1). Also called: BRCA1 Hereditary Breast and Ovarian Cancer; OVARIAN CANCER, SUSCEPTIBILITY TO. Identifiers: Orphanet 145, MedGen C2676676, MONDO:0011450, OMIM 604370. Disease mechanism: loss of function.
Hereditary breast ovarian cancer syndrome. Also called: Breast and ovarian cancer; Hereditary breast and ovarian cancer; Hereditary breast and ovarian cancer syndrome; Hereditary breast and/or ovarian cancer syndrome; BRCA1- and BRCA2-Associated Hereditary Breast and Ovarian Cancer; Hereditary breast and ovarian cancer syndrome (HBOC). Identifiers: Orphanet 145, MedGen C0677776, MeSH D061325, MONDO:0003582. Disease mechanism: loss of function.
Pancreatic cancer, susceptibility to, 4. Identifiers: Orphanet 1333, MedGen C3280442, MONDO:0013685, OMIM 614320.
Fanconi anemia, complementation group S (FANCS). Identifiers: MedGen C4554406, MONDO:0054748, OMIM 617883.
Hereditary cancer-predisposing syndrome. Also called: Tumor predisposition; Hereditary Cancer Syndrome; Neoplastic Syndromes, Hereditary; Hereditary neoplastic syndrome. Identifiers: Orphanet 140162, MedGen C0027672, MeSH D009386, MONDO:0015356.

Submissions (8):

Evidence-based Network for the Interpretation of Germline Mutant Alleles (ENIGMA)
Classification: Pathogenic for Breast-ovarian cancer, familial, susceptibility to, 1. Last evaluated: 2017-12-15. Review status: reviewed by expert panel. Criteria: ENIGMA BRCA1/2 Classification Criteria (2017-06-29). Collection method: curation. Allele origin: germline. Study: ENIGMA.
Comment: Variant allele predicted to encode a truncated non-functional protein.

Quest Diagnostics Nichols Institute San Juan Capistrano
Classification: Pathogenic. Last evaluated: 2025-06-24. Review status: criteria provided, single submitter. Criteria: Quest Diagnostics criteria. Collection method: clinical testing. Allele origin: unknown. Not counted in ClinVar's aggregate classification.
Comment: The BRCA1 c.1768_1770delinsC (p.Ser590Hisfs*17) variant alters the translational reading frame of the BRCA1 mRNA and causes the premature termination of BRCA1 protein synthesis. This variant has been reported in the published literature in an individual with ovarian cancer (PMID: 28888541 (2017)). This variant has not been reported in large, multi-ethnic general populations (Genome Aggregation Database). Based on the available information, this variant is classified as pathogenic.

Women's Health and Genetics/Laboratory Corporation of America, LabCorp
Classification: Pathogenic for Hereditary breast ovarian cancer syndrome. Last evaluated: 2025-05-14. Review status: criteria provided, single submitter. Criteria: LabCorp Variant Classification Summary - May 2015. Collection method: clinical testing. Allele origin: germline. Not counted in ClinVar's aggregate classification.
Comment: Variant summary: BRCA1 c.1768_1770delinsC (p.Ser590HisfsX17) results in a premature termination codon, predicted to cause a truncation of the encoded protein or absence of the protein due to nonsense mediated decay, which are commonly known mechanisms for disease. The variant was absent in 251084 control chromosomes. c.1768_1770delinsC has been observed in individual(s) affected with Hereditary Breast And Ovarian Cancer Syndrome (Lilyquist_2017). To our knowledge, no experimental evidence demonstrating an impact on protein function has been reported. The following publication have been ascertained in the context of this evaluation (PMID: 28888541). ClinVar contains an entry for this variant (Variation ID: 231505). Based on the evidence outlined above, the variant was classified as pathogenic.

Labcorp Genetics (formerly Invitae), Labcorp
Classification: Pathogenic for Hereditary breast ovarian cancer syndrome. Last evaluated: 2024-06-28. Review status: criteria provided, single submitter. Criteria: Invitae Variant Classification Sherloc (09022015). Collection method: clinical testing. Allele origin: germline. Not counted in ClinVar's aggregate classification.
Comment: This sequence change creates a premature translational stop signal (p.Ser590Hisfs*17) in the BRCA1 gene. It is expected to result in an absent or disrupted protein product. Loss-of-function variants in BRCA1 are known to be pathogenic (PMID: 20104584). Information on the frequency of this variant in the gnomAD database is not available, as this variant may be reported differently in the database. This premature translational stop signal has been observed in individual(s) with ovarian cancer (PMID: 28888541). For these reasons, this variant has been classified as Pathogenic.

Ambry Genetics
Classification: Pathogenic for Hereditary cancer-predisposing syndrome. Last evaluated: 2024-04-24. Review status: criteria provided, single submitter. Criteria: Ambry Variant Classification Scheme 2023. Collection method: clinical testing. Allele origin: germline. Not counted in ClinVar's aggregate classification.
Comment: The c.1768_1770delAGTinsC pathogenic mutation, located in coding exon 9 of the BRCA1 gene, results from the deletion of 3 nucleotides and insertion of one nucleotide causing a translational frameshift with a predicted alternate stop codon (p.S590Hfs*17). This variant is considered to be rare based on population cohorts in the Genome Aggregation Database (gnomAD). This alteration is expected to result in loss of function by premature protein truncation or nonsense-mediated mRNA decay. As such, this alteration is interpreted as a disease-causing mutation.

Fulgent Genetics
Classification: Pathogenic for Breast-ovarian cancer, familial, susceptibility to, 1; Pancreatic cancer, susceptibility to, 4; Fanconi anemia, complementation group S. Last evaluated: 2024-02-16. Review status: criteria provided, single submitter. Criteria: ACMG Guidelines, 2015. Collection method: clinical testing. Allele origin: germline. Not counted in ClinVar's aggregate classification.

All of Us Research Program, National Institutes of Health
Classification: Pathogenic for Breast-ovarian cancer, familial, susceptibility to, 1. Last evaluated: 2023-08-28. Review status: criteria provided, single submitter. Criteria: ACMG Guidelines, 2015. Collection method: clinical testing. Allele origin: germline. Inheritance: Autosomal dominant inheritance. Observed: 2 variant alleles, 2 heterozygotes. Not counted in ClinVar's aggregate classification.
Comment: This variant replaces three nucleotides, AGT, with a single nucleotide, C, in exon 10 of the BRCA1 gene, creating a frameshift and premature translation stop signal. This variant is expected to result in an absent or non-functional protein product. To our knowledge, this variant has not been reported in individuals affected with BRCA1-related disorders in the literature. This variant has not been identified in the general population by the Genome Aggregation Database (gnomAD). Loss of BRCA1 function is a known mechanism of disease. Based on the available evidence, this variant is classified as Pathogenic.

This study involves interpretation of variants in research participants for the purpose of population health screening. Participant phenotype was not available at the time of variant classification. Additional details can be found in publication PMID: 35346344, PMCID: PMC8962531

Color Diagnostics, LLC DBA Color Health
Classification: Pathogenic for Hereditary cancer-predisposing syndrome. Last evaluated: 2023-06-13. Review status: criteria provided, single submitter. Criteria: ACMG Guidelines, 2015. Collection method: clinical testing. Allele origin: germline. Not counted in ClinVar's aggregate classification.
Comment: This variant replaces three nucleotides, AGT, with a single nucleotide, C, in exon 10 of the BRCA1 gene, creating a frameshift and premature translation stop signal. This variant is expected to result in an absent or non-functional protein product. To our knowledge, this variant has not been reported in individuals affected with BRCA1-related disorders in the literature. This variant has not been identified in the general population by the Genome Aggregation Database (gnomAD). Loss of BRCA1 function is a known mechanism of disease. Based on the available evidence, this variant is classified as Pathogenic.

Literature cited by the submitters: PubMed 28888541 (cited by 3 submitters); PubMed 20104584 (cited by Labcorp Genetics (formerly Invitae), Labcorp).

NM_007294.4(BRCA1):c.1768_1770delinsC (p.Ser590fs)

Gene: BRCA1 (BRCA1 DNA repair associated; minus strand). Cytogenetic location: 17q21.31.
Variant type: Indel.
Coding change: c.1768_1770delinsC on transcript NM_007294.4 (MANE Select); coding-DNA positions 1768 to 1770, AGT replaced by C.
Protein change: p.Ser590fs; shifts the reading frame from serine 590.
Molecular consequence: frameshift variant. On other transcripts: intron variant (137).
Genome position (GRCh38, 1-based): chr17:43,093,761-43,093,763, ACT replaced by G on the plus strand (AGT replaced by C on the coding strand, the reverse complement: BRCA1 is on the minus strand). VCF-style: chr17-43093761-ACT-G. GRCh37 (hg19) VCF-style: chr17-41245778-ACT-G.
Other names: c.1555_1557delinsC, p.Ser519fs (NM_001407571.1, NM_001407853.1, NM_001407894.1 and 9 more transcripts); c.1768_1770delinsC, p.Ser590fs (NM_001407581.1, NM_001407582.1, NM_001407583.1 and 30 more transcripts); c.1765_1767delinsC, p.Ser589fs (NM_001407587.1, NM_001407590.1, NM_001407591.1 and 22 more transcripts); c.1759_1761delinsC, p.Ser587fs (NM_001407646.1, NM_001407647.1); c.1645_1647delinsC, p.Ser549fs (NM_001407648.1, NM_001407664.1, NM_001407665.1 and 19 more transcripts); c.1642_1644delinsC, p.Ser548fs (NM_001407649.1, NM_001407670.1, NM_001407671.1 and 11 more transcripts); c.1690_1692delinsC, p.Ser564fs (NM_001407653.1, NM_001407654.1, NM_001407655.1 and 4 more transcripts); c.1687_1689delinsC, p.Ser563fs (NM_001407659.1, NM_001407660.1, NM_001407661.1 and 1 more transcripts); and 40 more; short protein forms S590fs, S543fs, S463fs, S479fs, S522fs, S563fs, S587fs, S422fs.
Identifiers: ClinVar variation 231505 (VCV000231505.15), dbSNP rs876659196, ClinGen allele CA10580652.